The following is an entry in ClinVar:

NM_033517.1:c.946dup

Gene: SHANK3 (SH3 and multiple ankyrin repeat domains 3; plus strand).
Variant type: Duplication.
Other names: c.946dup (NM_033517.1).
Identifiers: ClinVar variation 4530830 (VCV004530830.1).

ClinVar aggregate classification (germline): Uncertain significance (1 of 4 stars; one submission).

Submission:

GeneDx
Classification: Uncertain significance. Last evaluated: 2025-05-22. Review status: criteria provided, single submitter. Criteria: GeneDx Variant Classification Process June 2021. Collection method: clinical testing. Allele origin: germline. Affected: yes.
Comment: Loss-of-function variant in the 5' region of the gene where loss-of-function has not been definitively established as a disease mechanism (PMID: 28179641); Not observed at significant frequency in large population cohorts (gnomAD); Has not been previously published as pathogenic or benign to our knowledge